The following is an entry in ClinVar:

ClinVar aggregate classification (somatic clinical impact): Tier II - Potential (1 of 4 stars; one submission).

Conditions:
Ewing sarcoma (ES). Also called: Ewing's sarcoma; Ewing's tumor; Ewing tumor. Identifiers: Orphanet 2677, Orphanet 319, MedGen C0553580, MONDO:0012817, OMIM 612219, HP:0012254.

Submission:

Institute for Genomic Medicine (IGM) Clinical Laboratory, Nationwide Children's Hospital
Classification: Tier II - Potential for Ewing sarcoma. Assertion type: diagnostic. Clinical significance: supports diagnosis. Last evaluated: 2024-04-04. Review status: criteria provided, single submitter. Criteria: AMP/ASCO/CAP Guidelines, 2017. Collection method: clinical testing. Allele origin: somatic. Affected: yes.
Comment: Variant has Tier II (potential) clinical significance as a diagnostic inclusion criterion in Ewing sarcoma, based on the following evidence: 1) Documented in one or more cancer databases (e.g., St. Jude Pecan, COSMIC, CIViC, OncoKB). 2) Appears in one or more well-established professional guidelines (e.g., World Health Organization [WHO]; National Comprehensive Cancer Network [NCCN]) as providing diagnostic, prognostic, or therapeutic information. 3) Diagnostic significance based on multiple small studies (Evidence Level C).

NM_001042750.2(STAG2):c.801_803del (p.Leu268del)

Gene: STAG2 (STAG2 cohesin complex component; plus strand). Cytogenetic location: Xq25.
Variant type: Deletion.
Coding change: c.801_803del on transcript NM_001042750.2 (MANE Select); coding-DNA positions 801 to 803, 3 bases deleted (GCT; older notation c.801_803delGCT).
Protein change: p.Leu268del; deletes leucine 268.
Genome position (GRCh38, 1-based): chrX:124,047,487-124,047,489, GCT deleted; deleting any 3 consecutive bases within chrX:124,047,485-124,047,489 gives the same sequence; the c. name uses the placement nearest the transcript's 3' end. VCF-style (leftmost placement, unchanged base first): chrX-124047484-CCTG-C. GRCh37 (hg19) VCF-style: chrX-123181334-CCTG-C.
Other names: c.801_803del, p.Leu268del (NM_001042749.2, NM_001042751.2, NM_001282418.2 and 23 more transcripts); short protein forms L268del.
Identifiers: ClinVar variation 4530296 (VCV004530296.1).